The following is an entry in ClinVar:

ClinVar aggregate classification (germline): Benign. Review status: criteria provided, multiple submitters, no conflicts (2 of 4 stars). 2 submissions from 2 submitters: Benign (2). Last evaluated 2018-01-12.

Conditions:
Amelogenesis imperfecta (AI). Also called: Congenital enamel hypoplasia. Identifiers: Orphanet 88661, MedGen C0002452, MONDO:0019507, HP:0000705.

Allele frequency attached by ClinVar (database versions not stated): gnomAD 0.12578 and 0.13103; TOPMed 0.13725; 1000 Genomes Project 0.13838; 1000 Genomes Project 30x 0.14147.

Submissions (2):

Illumina Laboratory Services, Illumina
Classification: Benign for Amelogenesis imperfecta. Last evaluated: 2018-01-12. Review status: criteria provided, single submitter. Criteria: ICSL Variant Classification Criteria 13 December 2019. Collection method: clinical testing. Allele origin: germline.
Comment: This variant was observed in the ICSL laboratory as part of a predisposition screen in an ostensibly healthy population. It had not been previously curated by ICSL or reported in the Human Gene Mutation Database (HGMD: prior to June 1st, 2018), and was therefore a candidate for classification through an automated scoring system. Utilizing variant allele frequency, disease prevalence and penetrance estimates, and inheritance mode, an automated score was calculated to assess if this variant is too frequent to cause the disease. Based on the score and internal cut-off values, a variant classified as benign is not then subjected to further curation. The score for this variant resulted in a classification of benign for this disease.

Breakthrough Genomics
Classification: Benign. Review status: criteria provided, single submitter. Criteria: ACMG Guidelines, 2015. Collection method: not provided. Allele origin: germline. Inheritance: Autosomal recessive inheritance. Affected: yes.

NM_031889.3(ENAM):c.*1512G>A

Gene: ENAM (enamelin; plus strand). Cytogenetic location: 4q13.3.
Variant type: single nucleotide variant.
Coding change: c.*1512G>A on transcript NM_031889.3 (MANE Select); 1512 bases downstream of the stop codon, G replaced by A.
Molecular consequence: 3 prime UTR variant.
Genome position (GRCh38, 1-based): chr4:70,646,367, G>A. VCF-style: chr4-70646367-G-A. GRCh37 (hg19) VCF-style: chr4-71512084-G-A.
Other names: c.*1512G>A (NM_001368133.1).
Identifiers: ClinVar variation 349525 (VCV000349525.6), dbSNP rs28703660, ClinGen allele CA10619135.
Genomic context (GRCh38, chr4:70,646,367, plus strand): 5'-CTCAGAATTACCTAAAAACATACTTTATAACTTTAAGAGATTTCTTAGGATACATCTTCA[G>A]GGGCAGATTTCATAACAACATCTCAAAAATTTGGGGAAACACAACGTTGAAAACTTCCTA-3'